The following is an entry in ClinVar:

NM_002474.3(MYH11):c.2197G>A (p.Ala733Thr)

Gene: MYH11 (myosin heavy chain 11; minus strand). Cytogenetic location: 16p13.11.
Variant type: single nucleotide variant.
Coding change: c.2197G>A on transcript NM_002474.3 (MANE Select); coding-DNA position 2197, G replaced by A.
Protein change: p.Ala733Thr; replaces alanine 733 with threonine.
Molecular consequence: missense variant.
Genome position (GRCh38, 1-based): chr16:15,747,927, C>T on the plus strand (G>A on the coding strand, the complement: MYH11 is on the minus strand). VCF-style: chr16-15747927-C-T. GRCh37 (hg19) VCF-style: chr16-15841784-C-T.
Other names: c.2218G>A, p.Ala740Thr (NM_001040113.2, NM_001040114.2); c.2197G>A, p.Ala733Thr (NM_022844.3); short protein forms A733T, A740T.
Identifiers: ClinVar variation 924899 (VCV000924899.8), dbSNP rs1393414333, ClinGen allele CA394867826.
Genomic context (GRCh38, chr16:15,747,927, plus strand): 5'-GGCTCACCATGAGAATGCAGGCCTGCTTCCCGTCCATGAAGCCTTTGGGGATGGCATTCG[C>T]CGCCAGGATCTCGTAGCTTGAAACACAGAGCAGAAGTCACCCCGGGTACCTCCAGCATCC-3'
Protein context (NP_002465.1, residues 723-743): EFRQRYEILA[Ala733Thr]NAIPKGFMDG

ClinVar aggregate classification (germline): Uncertain significance. Review status: criteria provided, multiple submitters, no conflicts (2 of 4 stars). 4 submissions from 4 submitters: Uncertain significance (4). Last evaluated 2024-08-12.

Conditions:
Megacystis-microcolon-intestinal hypoperistalsis syndrome 2. Identifiers: MedGen C5543476, MONDO:0025708, OMIM 619351.
Aortic aneurysm, familial thoracic 4 (AAT4). Also called: AORTIC ANEURYSM/AORTIC DISSECTION AND PATENT DUCTUS ARTERIOSUS. Identifiers: MedGen C1851504, MONDO:0007568, OMIM 132900.
Visceral myopathy 2. Identifiers: MedGen C5543466, MONDO:0859157, OMIM 619350.
Familial thoracic aortic aneurysm and aortic dissection (TAAD). Also called: Thoracic aortic aneurysms and dissections. Identifiers: Orphanet 91387, MedGen C4707243, MONDO:0019625.

Allele frequency attached by ClinVar (database versions not stated): TOPMed 0.00001.

Submissions (4):

Labcorp Genetics (formerly Invitae), Labcorp
Classification: Uncertain significance for Aortic aneurysm, familial thoracic 4. Last evaluated: 2024-08-12. Review status: criteria provided, single submitter. Criteria: Invitae Variant Classification Sherloc (09022015). Collection method: clinical testing. Allele origin: germline.
Comment: This sequence change replaces alanine, which is neutral and non-polar, with threonine, which is neutral and polar, at codon 740 of the MYH11 protein (p.Ala740Thr). This variant is not present in population databases (gnomAD no frequency). This variant has not been reported in the literature in individuals affected with MYH11-related conditions. ClinVar contains an entry for this variant (Variation ID: 924899). Advanced modeling of protein sequence and biophysical properties (such as structural, functional, and spatial information, amino acid conservation, physicochemical variation, residue mobility, and thermodynamic stability) performed at Invitae indicates that this missense variant is not expected to disrupt MYH11 protein function with a negative predictive value of 95%. In summary, the available evidence is currently insufficient to determine the role of this variant in disease. Therefore, it has been classified as a Variant of Uncertain Significance.

Fulgent Genetics
Classification: Uncertain significance for Aortic aneurysm, familial thoracic 4; Visceral myopathy 2; Megacystis-microcolon-intestinal hypoperistalsis syndrome 2. Last evaluated: 2021-10-29. Review status: criteria provided, single submitter. Criteria: ACMG Guidelines, 2015. Collection method: clinical testing. Allele origin: unknown.

Ambry Genetics
Classification: Uncertain significance for Familial thoracic aortic aneurysm and aortic dissection. Last evaluated: 2021-08-07. Review status: criteria provided, single submitter. Criteria: Ambry Variant Classification Scheme 2023. Collection method: clinical testing. Allele origin: germline.
Comment: The p.A733T variant (also known as c.2197G>A), located in coding exon 17 of the MYH11 gene, results from a G to A substitution at nucleotide position 2197. The alanine at codon 733 is replaced by threonine, an amino acid with similar properties. This amino acid position is conserved. In addition, this alteration is predicted to be tolerated by in silico analysis. Since supporting evidence is limited at this time, the clinical significance of this alteration remains unclear.

Color Diagnostics, LLC DBA Color Health
Classification: Uncertain significance for Familial thoracic aortic aneurysm and aortic dissection. Last evaluated: 2018-11-28. Review status: criteria provided, single submitter. Criteria: ACMG Guidelines, 2015. Collection method: clinical testing. Allele origin: germline.
Comment: Variant of Uncertain Significance due to insufficient evidence: This missense variant is located in the myosin motor domain of the MYH11 protein. Computational prediction tools and conservation analyses are inconclusive regarding the impact of this variant on the protein function. Computational splicing tools suggest that this variant may not impact RNA splicing. To our knowledge, functional assays have not been performed for this variant nor has this variant been reported in individuals affected with cardiovascular disorders in the literature. This variant is rare in the general population and has been identified in 0/277264 chromosomes by the Genome Aggregation Database (gnomAD). Available evidence is insufficient to determine the pathogenicity of this variant conclusively.